The following is an entry in ClinVar:

ClinVar aggregate classification (germline): Likely benign (1 of 4 stars; one submission).

Submission:

CeGaT Center for Human Genetics Tuebingen
Classification: Likely benign. Last evaluated: 2024-07-01. Review status: criteria provided, single submitter. Criteria: CeGaT Center For Human Genetics Tuebingen Variant Classification Criteria Version 2. Collection method: clinical testing. Allele origin: germline. Affected: yes. Observed: 1 variant allele.
Comment: ZSWIM6: PM2:Supporting, BP4, BP7

NM_020928.2(ZSWIM6):c.1338T>C (p.Ala446=)

Gene: ZSWIM6 (zinc finger SWIM-type containing 6; plus strand). Cytogenetic location: 5q12.1.
Variant type: single nucleotide variant.
Coding change: c.1338T>C on transcript NM_020928.2 (MANE Select); coding-DNA position 1338, T replaced by C.
Protein change: p.Ala446=; no amino-acid change (alanine 446 retained).
Molecular consequence: synonymous variant.
Genome position (GRCh38, 1-based): chr5:61,521,267, T>C. VCF-style: chr5-61521267-T-C. GRCh37 (hg19) VCF-style: chr5-60817094-T-C.
Identifiers: ClinVar variation 3257048 (VCV003257048.17).